The following is an entry in ClinVar:

ClinVar aggregate classification (germline): Likely benign. Review status: criteria provided, single submitter (1 of 4 stars). 2 submissions from 2 submitters: Likely benign (1). 1 of the submissions does not count toward it. Last evaluated 2025-10-23.

Conditions:
LAMA5-related disorder. Also called: LAMA5-Related Disorders; LAMA5-related condition.

Allele frequency attached by ClinVar (database versions not stated): gnomAD exomes 0.00010; ExAC 0.00035; gnomAD 0.00090; TOPMed 0.00108; 1000 Genomes Project 30x 0.00109; 1000 Genomes Project 0.00120; ESP Exome Variant Server 0.00123.
gnomAD v4.1: 294 of 1,611,620 alleles (0.018%); highest among the groups gnomAD compares: African/African-American, 0.35%; 1 homozygote.

Submissions (2):

Labcorp Genetics (formerly Invitae), Labcorp
Classification: Likely benign. Last evaluated: 2025-10-23. Review status: criteria provided, single submitter. Criteria: Invitae Variant Classification Sherloc (09022015). Collection method: clinical testing. Allele origin: germline.

PreventionGenetics, part of Exact Sciences
Classification: Likely benign for LAMA5-related condition. Last evaluated: 2022-03-09. Review status: no assertion criteria provided. Collection method: clinical testing. Allele origin: germline. Not counted in ClinVar's aggregate classification.
Comment: This variant is classified as likely benign based on ACMG/AMP sequence variant interpretation guidelines (Richards et al. 2015 PMID: 25741868, with internal and published modifications).

NM_005560.6(LAMA5):c.694G>A (p.Val232Met)

Gene: LAMA5 (laminin subunit alpha 5; minus strand). Cytogenetic location: 20q13.33.
Variant type: single nucleotide variant.
Coding change: c.694G>A on transcript NM_005560.6 (MANE Select); coding-DNA position 694, G replaced by A.
Protein change: p.Val232Met; replaces valine 232 with methionine.
Molecular consequence: missense variant.
Genome position (GRCh38, 1-based): chr20:62,352,073, C>T on the plus strand (G>A on the coding strand, the complement: LAMA5 is on the minus strand). VCF-style: chr20-62352073-C-T. GRCh37 (hg19) VCF-style: chr20-60927129-C-T.
Other names: c.694G>A (NM_005560.4); short protein forms V232M.
Identifiers: ClinVar variation 2071058 (VCV002071058.6), dbSNP rs149541806, ClinGen allele CA9944319.
Genomic context (GRCh38, chr20:62,352,073, plus strand): 5'-CACGTAGCAGCGGCGAGTAGGAGAAATTCATGGCGCCCGGACGTCCGTTCACCAGGGACA[C>T]CACGATCTGTGGGCAGTATGCGGTGACGCCAGTGTGGCCCTAGCCCCTGCTCAGCACTGC-3'
Protein context (NP_005551.3, residues 222-242): IVPLENGEIV[Val232Met]SLVNGRPGAM